The following is an entry in ClinVar:

NM_002691.4(POLD1):c.915G>A (p.Gln305=)

Gene: POLD1 (DNA polymerase delta 1, catalytic subunit; plus strand). Cytogenetic location: 19q13.33.
Variant type: single nucleotide variant.
Coding change: c.915G>A on transcript NM_002691.4 (MANE Select); coding-DNA position 915, G replaced by A.
Protein change: p.Gln305=; no amino-acid change (glutamine 305 retained).
Molecular consequence: synonymous variant. On other transcripts: non-coding transcript variant (1).
Genome position (GRCh38, 1-based): chr19:50,402,686, G>A. VCF-style: chr19-50402686-G-A. GRCh37 (hg19) VCF-style: chr19-50905943-G-A.
Other names: c.915G>A, p.Gln305= (NM_001256849.1, NM_001308632.1).
Identifiers: ClinVar variation 2760698 (VCV002760698.4), dbSNP rs2122258558, ClinGen allele CA508182004.

ClinVar aggregate classification (germline): Benign/Likely benign. Review status: criteria provided, multiple submitters, no conflicts (2 of 4 stars). 2 submissions from 2 submitters: Benign (1); Likely benign (1). Last evaluated 2025-02-05.

Conditions:
POLD1-related polyposis and colorectal cancer syndrome (CRCS10). Also called: Colorectal cancer 10; Colorectal cancer, susceptibility to, 10; COLORECTAL CANCER, SUSCEPTIBILITY TO, ON CHROMOSOME 19q. Identifiers: Orphanet 220460, MedGen C2675481, MONDO:0012953, OMIM 612591.

gnomAD v4.1: 1 of 1,602,030 alleles (0.000062%); highest among the groups gnomAD compares: Non-Finnish European, 0.000085%; no homozygotes.

Submissions (2):

Myriad Genetics, Inc.
Classification: Benign for POLD1-related polyposis and colorectal cancer syndrome. Last evaluated: 2025-02-05. Review status: criteria provided, single submitter. Criteria: Myriad Autosomal Dominant, Autosomal Recessive and X-Linked Classification Criteria (2023). Collection method: clinical testing. Allele origin: unknown.
Comment: This variant is considered benign. This variant is a silent/synonymous amino acid change and it is not expected to impact splicing.

Labcorp Genetics (formerly Invitae), Labcorp
Classification: Likely benign for POLD1-related polyposis and colorectal cancer syndrome. Last evaluated: 2023-09-14. Review status: criteria provided, single submitter. Criteria: Invitae Variant Classification Sherloc (09022015). Collection method: clinical testing. Allele origin: germline.